The following is an entry in ClinVar:

NM_153816.6(SNX14):c.715G>C (p.Asp239His)

Gene: SNX14 (sorting nexin 14; minus strand). Cytogenetic location: 6q14.3.
Variant type: single nucleotide variant.
Coding change: c.715G>C on transcript NM_153816.6 (MANE Select); coding-DNA position 715, G replaced by C.
Protein change: p.Asp239His; replaces aspartic acid 239 with histidine.
Molecular consequence: missense variant. On other transcripts: 5 prime UTR variant (7), non-coding transcript variant (6), intron variant (2).
Genome position (GRCh38, 1-based): chr6:85,549,799, C>G on the plus strand (G>C on the coding strand, the complement: SNX14 is on the minus strand). VCF-style: chr6-85549799-C-G. GRCh37 (hg19) VCF-style: chr6-86259517-C-G.
Other names: c.715G>C, p.Asp239His (NM_001297614.3, NM_001350540.2, NM_001350541.2); c.559G>C, p.Asp187His (NM_001304479.2); c.778G>C, p.Asp260His (NM_001350532.2); c.712G>C, p.Asp238His (NM_001350533.2, NM_001350534.2, NM_001350535.2); c.583G>C, p.Asp195His (NM_001350536.2, NM_020468.6); c.580G>C, p.Asp194His (NM_001350537.2); c.556G>C, p.Asp186His (NM_001350539.2); c.427G>C, p.Asp143His (NM_001350542.2); and 8 more; short protein forms D142H, D143H, D194H, D195H, D238H, D239H, D186H, D187H.
Identifiers: ClinVar variation 1987962 (VCV001987962.5), dbSNP rs372213413, ClinGen allele CA3912349.
Genomic context (GRCh38, chr6:85,549,799, plus strand): 5'-TAGGAGGCAAAATATAAGGAAAAAGCAGTTCAGTAAGTTTCCTTAAATAGTGCAATTCAT[C>G]TCTTCGACTTCTCAAAGCAACATGAAGCTCTGGACCATATTCTTCTAAAGCAGCTTGCTG-3'
Protein context (NP_722523.1, residues 229-249): ELHVALRSRR[Asp239His]ELHYLRKLTE

ClinVar aggregate classification (germline): Uncertain significance. Review status: criteria provided, multiple submitters, no conflicts (2 of 4 stars). 2 submissions from 2 submitters: Uncertain significance (2). Last evaluated 2025-09-10.

Conditions:
Inborn genetic diseases. Identifiers: MedGen C0950123, MeSH D030342.

Allele frequency attached by ClinVar (database versions not stated): TOPMed below 0.00001; gnomAD exomes 0.00002; ExAC 0.00003; ESP Exome Variant Server 0.00008.
gnomAD v4.1: 28 of 1,614,012 alleles (0.0017%); highest among the groups gnomAD compares: Non-Finnish European, 0.0021%; no homozygotes.

Submissions (2):

Ambry Genetics
Classification: Uncertain significance for Inborn genetic diseases. Last evaluated: 2025-09-10. Review status: criteria provided, single submitter. Criteria: Ambry Variant Classification Scheme 2023. Collection method: clinical testing. Allele origin: germline.

Labcorp Genetics (formerly Invitae), Labcorp
Classification: Uncertain significance. Last evaluated: 2025-04-07. Review status: criteria provided, single submitter. Criteria: Invitae Variant Classification Sherloc (09022015). Collection method: clinical testing. Allele origin: germline.
Comment: This sequence change replaces aspartic acid, which is acidic and polar, with histidine, which is basic and polar, at codon 239 of the SNX14 protein (p.Asp239His). This variant is present in population databases (rs372213413, gnomAD 0.004%). This variant has not been reported in the literature in individuals affected with SNX14-related conditions. ClinVar contains an entry for this variant (Variation ID: 1987962). Invitae Evidence Modeling of protein sequence and biophysical properties (such as structural, functional, and spatial information, amino acid conservation, physicochemical variation, residue mobility, and thermodynamic stability) indicates that this missense variant is not expected to disrupt SNX14 protein function with a negative predictive value of 80%. In summary, the available evidence is currently insufficient to determine the role of this variant in disease. Therefore, it has been classified as a Variant of Uncertain Significance.